The following is an entry in ClinVar:

ClinVar aggregate classification (germline): Uncertain significance (1 of 4 stars; one submission).

Conditions:
Brown-Vialetto-van Laere syndrome 2. Also called: Riboflavin transporter deficiency type 2; SPINOCEREBELLAR ATAXIA WITH BLINDNESS AND DEAFNESS 2. Identifiers: Orphanet 572543, Orphanet 97229, MedGen C3553538, MONDO:0013867, OMIM 614707.

Allele frequency attached by ClinVar (database versions not stated): TOPMed below 0.00001.

Submission:

Labcorp Genetics (formerly Invitae), Labcorp
Classification: Uncertain significance for Brown-Vialetto-van Laere syndrome 2. Last evaluated: 2018-03-14. Review status: criteria provided, single submitter. Criteria: Invitae Variant Classification Sherloc (09022015). Collection method: clinical testing. Allele origin: germline.
Comment: This variant is not present in population databases (ExAC no frequency). In summary, the available evidence is currently insufficient to determine the role of this variant in disease. Therefore, it has been classified as a Variant of Uncertain Significance. Algorithms developed to predict the effect of missense changes on protein structure and function do not agree on the potential impact of this missense change (SIFT: "Deleterious"; PolyPhen-2: "Benign"; Align-GVGD: "Class C0"). This variant has not been reported in the literature in individuals with SLC52A2-related disease. This sequence change replaces aspartic acid with glutamic acid at codon 441 of the SLC52A2 protein (p.Asp441Glu). The aspartic acid residue is highly conserved and there is a small physicochemical difference between aspartic acid and glutamic acid.

NM_001363118.2(SLC52A2):c.1323C>A (p.Asp441Glu)

Gene: SLC52A2 (solute carrier family 52 member 2; plus strand). Cytogenetic location: 8q24.3.
Variant type: single nucleotide variant.
Coding change: c.1323C>A on transcript NM_001363118.2 (MANE Select); coding-DNA position 1323, C replaced by A.
Protein change: p.Asp441Glu; replaces aspartic acid 441 with glutamic acid.
Molecular consequence: missense variant. On other transcripts: non-coding transcript variant (1).
Genome position (GRCh38, 1-based): chr8:144,361,000, C>A. VCF-style: chr8-144361000-C-A. GRCh37 (hg19) VCF-style: chr8-145584660-C-A.
Other names: c.1323C>A, p.Asp441Glu (NM_001253815.2, NM_001253816.2, NM_001363120.2 and 2 more transcripts); c.831C>A, p.Asp277Glu (NM_001363122.2); short protein forms D441E, D277E.
Identifiers: ClinVar variation 577186 (VCV000577186.6), dbSNP rs1554854664, ClinGen allele CA372630502.
Genomic context (GRCh38, chr8:144,361,000, plus strand): 5'-TGCTATGTTCCCCCCGACCAGCATCTATCACGTGTTCCACAGCAGAAAGGACTGTGCAGA[C>A]CCCTGTGACTCCTGAGCCTGGGCAGGTGGGGACCCCGCTCCCCAACACCTGTCTTTCCCT-3'
Protein context (NP_001350047.1, residues 431-445): HVFHSRKDCA[Asp441Glu]PCDS